The following is an entry in ClinVar:

NM_000038.6(APC):c.2449G>C (p.Gly817Arg)

Gene: APC (APC regulator of Wnt signaling pathway; plus strand). Cytogenetic location: 5q22.2.
Variant type: single nucleotide variant.
Coding change: c.2449G>C on transcript NM_000038.6 (MANE Select); coding-DNA position 2449, G replaced by C.
Protein change: p.Gly817Arg; replaces glycine 817 with arginine.
Molecular consequence: missense variant.
Genome position (GRCh38, 1-based): chr5:112,838,043, G>C. VCF-style: chr5-112838043-G-C. GRCh37 (hg19) VCF-style: chr5-112173740-G-C.
Other names: c.2449G>C, p.Gly817Arg (NM_001127510.3, NM_001354895.2, NM_001407450.1); c.2395G>C, p.Gly799Arg (NM_001127511.3); c.2503G>C, p.Gly835Arg (NM_001354896.2, NM_001407447.1, NM_001407448.1 and 1 more transcripts); c.2479G>C, p.Gly827Arg (NM_001354897.2); c.2374G>C, p.Gly792Arg (NM_001354898.2); c.2365G>C, p.Gly789Arg (NM_001354899.2); c.2326G>C, p.Gly776Arg (NM_001354900.2); c.2272G>C, p.Gly758Arg (NM_001354901.2, NM_001407453.1); and 11 more; short protein forms G691R, G734R, G792R, G827R, G534R, G657R, G688R, G716R.
Identifiers: ClinVar variation 2009011 (VCV002009011.4), dbSNP rs1169702353, ClinGen allele CA16026711.

ClinVar aggregate classification (germline): Uncertain significance (1 of 4 stars; one submission).

Conditions:
Familial adenomatous polyposis 1 (FAP1). Also called: FAMILIAL ADENOMATOUS POLYPOSIS 1, ATTENUATED; POLYPOSIS, ADENOMATOUS INTESTINAL. Identifiers: MedGen C2713442, MONDO:0021056, OMIM 175100. Disease mechanism: loss of function.

Submission:

Labcorp Genetics (formerly Invitae), Labcorp
Classification: Uncertain significance for Familial adenomatous polyposis 1. Last evaluated: 2022-06-22. Review status: criteria provided, single submitter. Criteria: Invitae Variant Classification Sherloc (09022015). Collection method: clinical testing. Allele origin: germline.
Comment: Algorithms developed to predict the effect of missense changes on protein structure and function are either unavailable or do not agree on the potential impact of this missense change (SIFT: "Deleterious"; PolyPhen-2: "Possibly Damaging"; Align-GVGD: "Class C0"). In summary, the available evidence is currently insufficient to determine the role of this variant in disease. Therefore, it has been classified as a Variant of Uncertain Significance. This variant has not been reported in the literature in individuals affected with APC-related conditions. This variant is present in population databases (no rsID available, gnomAD 0.006%). This sequence change replaces glycine, which is neutral and non-polar, with arginine, which is basic and polar, at codon 817 of the APC protein (p.Gly817Arg).